The following is an entry in ClinVar:

ClinVar aggregate classification (germline): Uncertain significance. Review status: criteria provided, single submitter (1 of 4 stars). 2 submissions from 2 submitters: Uncertain significance (1). 1 of the submissions does not count toward it. Last evaluated 2025-06-07.

Conditions:
SYTL5-related disorder. Also called: SYTL5-related condition.

Allele frequency attached by ClinVar (database versions not stated): gnomAD 0.00004; gnomAD exomes 0.00006; ExAC 0.00021.
gnomAD v4.1: 78 of 1,209,216 alleles (0.0065%); highest among the groups gnomAD compares: South Asian, 0.12%; no homozygotes.

Submissions (2):

Ambry Genetics
Classification: Uncertain significance. Last evaluated: 2025-06-07. Review status: criteria provided, single submitter. Criteria: Ambry Variant Classification Scheme 2023. Collection method: clinical testing. Allele origin: germline.

PreventionGenetics, part of Exact Sciences
Classification: Likely benign for SYTL5-related condition. Last evaluated: 2022-04-06. Review status: no assertion criteria provided. Collection method: clinical testing. Allele origin: germline. Not counted in ClinVar's aggregate classification.
Comment: This variant is classified as likely benign based on ACMG/AMP sequence variant interpretation guidelines (Richards et al. 2015 PMID: 25741868, with internal and published modifications).

NM_138780.3(SYTL5):c.2090A>G (p.Gln697Arg)

Gene: SYTL5 (synaptotagmin like 5; plus strand). Cytogenetic location: Xp11.4.
Variant type: single nucleotide variant.
Coding change: c.2090A>G on transcript NM_138780.3 (MANE Select); coding-DNA position 2090, A replaced by G.
Protein change: p.Gln697Arg; replaces glutamine 697 with arginine.
Molecular consequence: missense variant.
Genome position (GRCh38, 1-based): chrX:38,126,627, A>G. VCF-style: chrX-38126627-A-G. GRCh37 (hg19) VCF-style: chrX-37985880-A-G.
Other names: c.2156A>G, p.Gln719Arg (NM_001163334.1); c.2090A>G, p.Gln697Arg (NM_001163335.2); c.2090A>G (NM_138780.2); short protein forms Q697R, Q719R.
Identifiers: ClinVar variation 3045031 (VCV003045031.3), dbSNP rs561453489, ClinGen allele CA10384620.